The following is an entry in ClinVar:

ClinVar aggregate classification (germline): Likely benign (1 of 4 stars; one submission).

Allele frequency attached by ClinVar (database versions not stated): 1000 Genomes Project 0.00636; gnomAD 0.01267; TOPMed 0.01346; 1000 Genomes Project 30x 0.00541.

Submission:

GeneDx
Classification: Likely benign. Last evaluated: 2020-03-29. Review status: criteria provided, single submitter. Criteria: GeneDx Variant Classification Process June 2021. Collection method: clinical testing. Allele origin: germline. Affected: yes.
Comment: See Variant Classification Assertion Criteria.

NM_006280.3(SSR4):c.68-172T>C

Gene: SSR4 (signal sequence receptor subunit 4; plus strand). Cytogenetic location: Xq28.
Variant type: single nucleotide variant.
Coding change: c.68-172T>C on transcript NM_006280.3 (MANE Select); 172 bases into the intron before coding-DNA position 68, T replaced by C.
Molecular consequence: intron variant.
Genome position (GRCh38, 1-based): chrX:153,796,262, T>C. VCF-style: chrX-153796262-T-C. GRCh37 (hg19) VCF-style: chrX-153061717-T-C.
Other names: c.68-172T>C (NM_001440796.1); c.149-172T>C (NM_001440795.1); c.92-172T>C (NM_001204527.2); c.101-172T>C (NM_001204526.2).
Identifiers: ClinVar variation 1706820 (VCV001706820.2), dbSNP rs150497073, ClinGen allele CA337251096.
Genomic context (GRCh38, chrX:153,796,262, plus strand): 5'-AGAAAGCCGGCCTTGCCCCTCCCCAGCCTTCCTTCACAGCCATCCCGCCTACGTTGCCAT[T>C]GCATTTGTGACCGAGCACTTGGATCTGTCTCGCATATCCCACCTGGAAGGGGCAGGAAGA-3'